The following is an entry in ClinVar:

ClinVar aggregate classification (germline): Uncertain significance (1 of 4 stars; one submission).

Allele frequency attached by ClinVar (database versions not stated): gnomAD exomes 0.00001 and 0.00002; ExAC 0.00003.

Submission:

Labcorp Genetics (formerly Invitae), Labcorp
Classification: Uncertain significance. Last evaluated: 2022-02-09. Review status: criteria provided, single submitter. Criteria: Invitae Variant Classification Sherloc (09022015). Collection method: clinical testing. Allele origin: germline.
Comment: In summary, the available evidence is currently insufficient to determine the role of this variant in disease. Therefore, it has been classified as a Variant of Uncertain Significance. Advanced modeling of protein sequence and biophysical properties (such as structural, functional, and spatial information, amino acid conservation, physicochemical variation, residue mobility, and thermodynamic stability) performed at Invitae indicates that this missense variant is not expected to disrupt KCNV2 protein function. ClinVar contains an entry for this variant (Variation ID: 1040621). This variant has not been reported in the literature in individuals affected with KCNV2-related conditions. This variant is present in population databases (rs752059245, gnomAD 0.003%). This sequence change replaces glycine, which is neutral and non-polar, with aspartic acid, which is acidic and polar, at codon 292 of the KCNV2 protein (p.Gly292Asp).

NM_133497.4(KCNV2):c.875G>A (p.Gly292Asp)

Gene: KCNV2 (potassium voltage-gated channel modifier subfamily V member 2; plus strand). Cytogenetic location: 9p24.2.
Variant type: single nucleotide variant.
Coding change: c.875G>A on transcript NM_133497.4 (MANE Select); coding-DNA position 875, G replaced by A.
Protein change: p.Gly292Asp; replaces glycine 292 with aspartic acid.
Molecular consequence: missense variant.
Genome position (GRCh38, 1-based): chr9:2,718,614, G>A. VCF-style: chr9-2718614-G-A. GRCh37 (hg19) VCF-style: chr9-2718614-G-A.
Other names: short protein forms G292D.
Identifiers: ClinVar variation 1040621 (VCV001040621.9), dbSNP rs752059245, ClinGen allele CA4965660.